The following is an entry in ClinVar:

NM_001943.5(DSG2):c.1219G>A (p.Gly407Ser)

Gene: DSG2 (desmoglein 2; plus strand). Cytogenetic location: 18q12.1.
Variant type: single nucleotide variant.
Coding change: c.1219G>A on transcript NM_001943.5 (MANE Select); coding-DNA position 1219, G replaced by A.
Protein change: p.Gly407Ser; replaces glycine 407 with serine.
Molecular consequence: missense variant.
Genome position (GRCh38, 1-based): chr18:31,531,191, G>A. VCF-style: chr18-31531191-G-A. GRCh37 (hg19) VCF-style: chr18-29111154-G-A.
Other names: short protein forms G407S.
Identifiers: ClinVar variation 2158138 (VCV002158138.4), dbSNP rs2510915422, ClinGen allele CA402139289.

ClinVar aggregate classification (germline): Uncertain significance (1 of 4 stars; one submission).

Conditions:
Arrhythmogenic right ventricular dysplasia 10. Also called: ARRHYTHMOGENIC RIGHT VENTRICULAR DYSPLASIA, FAMILIAL, 10; Arrhythmogenic Right Ventricular Dysplasia/Cardiomyopathy10; Arrhythmogenic right ventricular dysplasia/cardiomyopathy, type 10. Identifiers: MedGen C1857777, MONDO:0012434, OMIM 610193.

Submission:

Labcorp Genetics (formerly Invitae), Labcorp
Classification: Uncertain significance for Arrhythmogenic right ventricular dysplasia 10. Last evaluated: 2022-05-08. Review status: criteria provided, single submitter. Criteria: Invitae Variant Classification Sherloc (09022015). Collection method: clinical testing. Allele origin: germline.
Comment: In summary, the available evidence is currently insufficient to determine the role of this variant in disease. Therefore, it has been classified as a Variant of Uncertain Significance. Algorithms developed to predict the effect of missense changes on protein structure and function output the following: SIFT: "Tolerated"; PolyPhen-2: "Benign"; Align-GVGD: "Class C0". The serine amino acid residue is found in multiple mammalian species, which suggests that this missense change does not adversely affect protein function. This variant has not been reported in the literature in individuals affected with DSG2-related conditions. This variant is not present in population databases (gnomAD no frequency). This sequence change replaces glycine, which is neutral and non-polar, with serine, which is neutral and polar, at codon 407 of the DSG2 protein (p.Gly407Ser).